The following is an entry in ClinVar:

NM_000222.3(KIT):c.2321A>C (p.Tyr774Ser)

Gene: KIT (KIT proto-oncogene, receptor tyrosine kinase; plus strand). Cytogenetic location: 4q12.
Variant type: single nucleotide variant.
Coding change: c.2321A>C on transcript NM_000222.3 (MANE Select); coding-DNA position 2321, A replaced by C.
Protein change: p.Tyr774Ser; replaces tyrosine 774 with serine.
Molecular consequence: missense variant.
Genome position (GRCh38, 1-based): chr4:54,731,958, A>C. VCF-style: chr4-54731958-A-C. GRCh37 (hg19) VCF-style: chr4-55598124-A-C.
Other names: c.2309A>C, p.Tyr770Ser (NM_001093772.2, NM_001385292.1); c.2324A>C, p.Tyr775Ser (NM_001385284.1); c.2318A>C, p.Tyr773Ser (NM_001385285.1); c.2306A>C, p.Tyr769Ser (NM_001385286.1); c.2312A>C, p.Tyr771Ser (NM_001385288.1); c.2321A>C, p.Tyr774Ser (NM_001385290.1); short protein forms Y774S, Y770S, Y769S, Y771S, Y773S, Y775S.
Identifiers: ClinVar variation 458916 (VCV000458916.8), dbSNP rs1553892709, ClinGen allele CA356911042.

ClinVar aggregate classification (germline): Uncertain significance. Review status: criteria provided, multiple submitters, no conflicts (2 of 4 stars). 2 submissions from 2 submitters: Uncertain significance (2). Last evaluated 2025-02-10.

Conditions:
Hereditary cancer-predisposing syndrome. Also called: Tumor predisposition; Hereditary neoplastic syndrome; Neoplastic Syndromes, Hereditary; Hereditary Cancer Syndrome. Identifiers: Orphanet 140162, MedGen C0027672, MeSH D009386, MONDO:0015356.
Gastrointestinal stromal tumor. Also called: Gastrointestinal stroma tumor; Gastrointestinal stromal tumor, somatic. Identifiers: Orphanet 44890, MedGen C0238198, MeSH D046152, MONDO:0011719, OMIM 606764, HP:0100723.

Allele frequency attached by ClinVar (database versions not stated): gnomAD exomes below 0.00001.
gnomAD v4.1: 3 of 1,613,548 alleles (0.00019%); highest among the groups gnomAD compares: Non-Finnish European, 0.00025%; no homozygotes.

Submissions (2):

Labcorp Genetics (formerly Invitae), Labcorp
Classification: Uncertain significance for Gastrointestinal stromal tumor. Last evaluated: 2025-02-10. Review status: criteria provided, single submitter. Criteria: Invitae Variant Classification Sherloc (09022015). Collection method: clinical testing. Allele origin: germline.
Comment: This sequence change replaces tyrosine, which is neutral and polar, with serine, which is neutral and polar, at codon 774 of the KIT protein (p.Tyr774Ser). This variant is not present in population databases (gnomAD no frequency). This variant has not been reported in the literature in individuals affected with KIT-related conditions. ClinVar contains an entry for this variant (Variation ID: 458916). An algorithm developed to predict the effect of missense changes on protein structure and function (PolyPhen-2) suggests that this variant is likely to be disruptive. In summary, the available evidence is currently insufficient to determine the role of this variant in disease. Therefore, it has been classified as a Variant of Uncertain Significance.

Ambry Genetics
Classification: Uncertain significance for Hereditary cancer-predisposing syndrome. Last evaluated: 2024-08-26. Review status: criteria provided, single submitter. Criteria: Ambry Variant Classification Scheme 2023. Collection method: clinical testing. Allele origin: germline.
Comment: The p.Y774S variant (also known as c.2321A>C), located in coding exon 16 of the KIT gene, results from an A to C substitution at nucleotide position 2321. The tyrosine at codon 774 is replaced by serine, an amino acid with dissimilar properties. This amino acid position is conserved. In addition, this alteration is predicted to be deleterious by in silico analysis. Based on the available evidence, the clinical significance of this variant remains unclear.